The following is an entry in ClinVar:

NM_001376.5(DYNC1H1):c.12102+4A>G

Gene: DYNC1H1 (dynein cytoplasmic 1 heavy chain 1; plus strand). Cytogenetic location: 14q32.31.
Variant type: single nucleotide variant.
Coding change: c.12102+4A>G on transcript NM_001376.5 (MANE Select); 4 bases into the intron after coding-DNA position 12102, A replaced by G.
Molecular consequence: intron variant.
Genome position (GRCh38, 1-based): chr14:102,041,738, A>G. VCF-style: chr14-102041738-A-G. GRCh37 (hg19) VCF-style: chr14-102508075-A-G.
Identifiers: ClinVar variation 1360730 (VCV001360730.6), dbSNP rs559197482, ClinGen allele CA2573150404.
Genomic context (GRCh38, chr14:102,041,738, plus strand): 5'-TCTTTCATGTCCATCATGGAGCAGCCGCTCGACCTGACCCACATTGTGGGCACAGAGGTA[A>G]TGTCCTGGTACAGCCCGGGCTTCCCACGAGACTCCATGCCCACCTCCCCAGCCACAGGTG-3'

ClinVar aggregate classification (germline): Uncertain significance (1 of 4 stars; one submission).

Conditions:
Charcot-Marie-Tooth disease axonal type 2O. Also called: Charcot-Marie-Tooth Neuropathy Type 2O; Charcot-Marie-Tooth disease, axonal, type 20; CHARCOT-MARIE-TOOTH NEUROPATHY, AXONAL, TYPE 2O; CHARCOT-MARIE-TOOTH DISEASE, AXONAL, AUTOSOMAL DOMINANT, TYPE 2O. Identifiers: Orphanet 284232, MedGen C3280220, MONDO:0013644, OMIM 614228.

Submission:

Labcorp Genetics (formerly Invitae), Labcorp
Classification: Uncertain significance for Charcot-Marie-Tooth disease axonal type 2O. Last evaluated: 2022-06-27. Review status: criteria provided, single submitter. Criteria: Invitae Variant Classification Sherloc (09022015). Collection method: clinical testing. Allele origin: germline.
Comment: This sequence change falls in intron 65 of the DYNC1H1 gene. It does not directly change the encoded amino acid sequence of the DYNC1H1 protein. It affects a nucleotide within the consensus splice site. This variant is not present in population databases (gnomAD no frequency). This variant has not been reported in the literature in individuals affected with DYNC1H1-related conditions. Variants that disrupt the consensus splice site are a relatively common cause of aberrant splicing (PMID: 17576681, 9536098). Algorithms developed to predict the effect of sequence changes on RNA splicing suggest that this variant is not likely to affect RNA splicing. In summary, the available evidence is currently insufficient to determine the role of this variant in disease. Therefore, it has been classified as a Variant of Uncertain Significance.

Literature cited by the submitters: PubMed 17576681; PubMed 9536098.